The following is an entry in ClinVar:

NM_020911.2(PLXNA4):c.3893C>T (p.Thr1298Met)

Gene: PLXNA4 (plexin A4; minus strand). Cytogenetic location: 7q32.3.
Variant type: single nucleotide variant.
Coding change: c.3893C>T on transcript NM_020911.2 (MANE Select); coding-DNA position 3893, C replaced by T.
Protein change: p.Thr1298Met; replaces threonine 1298 with methionine.
Molecular consequence: missense variant.
Genome position (GRCh38, 1-based): chr7:132,174,902, G>A on the plus strand (C>T on the coding strand, the complement: PLXNA4 is on the minus strand). VCF-style: chr7-132174902-G-A. GRCh37 (hg19) VCF-style: chr7-131859661-G-A.
Other names: c.3893C>T, p.Thr1298Met (NM_001393897.1); short protein forms T1298M.
Identifiers: ClinVar variation 3349577 (VCV003349577.1).

ClinVar aggregate classification (germline): Uncertain significance (0 of 4 stars; one submission).

Conditions:
PLXNA4-related disorder. Also called: PLXNA4-related condition.

gnomAD v4.1: 1 of 1,614,062 alleles (0.000062%); no homozygotes.

Submission:

PreventionGenetics, part of Exact Sciences
Classification: Uncertain significance for PLXNA4-related condition. Last evaluated: 2023-11-22. Review status: no assertion criteria provided. Collection method: clinical testing. Allele origin: germline.
Comment: The PLXNA4 c.3893C>T variant is predicted to result in the amino acid substitution p.Thr1298Met. To our knowledge, this variant has not been reported in the literature or in a large population database, indicating this variant is rare. At this time, the clinical significance of this variant is uncertain due to the absence of conclusive functional and genetic evidence.